The following is an entry in ClinVar:

ClinVar aggregate classification (germline): Uncertain significance (1 of 4 stars; one submission).

Conditions:
Neurodevelopmental disorder with or without variable brain abnormalities; NEDBA. Also called: NEURODEVELOPMENTAL DISORDER WITH OR WITHOUT VARIABLE BRAIN ABNORMALITIES. Identifiers: MedGen C5193102, MONDO:0032755, OMIM 618443.

Allele frequency attached by ClinVar (database versions not stated): gnomAD exomes below 0.00001.
gnomAD v4.1: 4 of 1,613,908 alleles (0.00025%); highest among the groups gnomAD compares: Non-Finnish European, 0.00034%; no homozygotes.

Submission:

Victorian Clinical Genetics Services, Murdoch Childrens Research Institute
Classification: Uncertain significance for Neurodevelopmental disorder with or without variable brain abnormalities; NEDBA. Last evaluated: 2022-02-02. Review status: criteria provided, single submitter. Criteria: ACMG Guidelines, 2015. Collection method: clinical testing. Allele origin: germline. Inheritance: Autosomal dominant inheritance. Affected: yes.
Comment: Based on the classification scheme VCGS_Germline_v1.3.4, this variant is classified as VUS-3B. Following criteria are met: 0102 - Loss of function is a known mechanism of disease in this gene and is associated with neurodevelopmental disorder with or without variable brain abnormalities (MIM#618443). (I) 0107 - This gene is associated with autosomal dominant disease. (I) 0200 - Variant is predicted to result in a missense amino acid change from arginine to tryptophan. (I) 0251 - This variant is heterozygous. (I) 0301 - Variant is absent from gnomAD (both v2 and v3). (SP) 0501 - Missense variant consistently predicted to be damaging by multiple in silico tools or highly conserved with a major amino acid change. (SP) 0600 - Variant is located in the annotated JNK_SAPK-associated protein-1 domain (NCBI, DECIPHER). (I) 0705 - No comparable missense variants have previous evidence for pathogenicity. (I) 0807 - This variant has no previous evidence of pathogenicity. (I) 0905 - No published segregation evidence has been identified for this variant. (I) 1007 - No published functional evidence has been identified for this variant. (I) Legend: (SP) - Supporting pathogenic, (I) - Information, (SB) - Supporting benign

NM_001318852.2(MAPK8IP3):c.499C>T (p.Arg167Trp)

Gene: MAPK8IP3 (mitogen-activated protein kinase 8 interacting protein 3; plus strand). Cytogenetic location: 16p13.3.
Variant type: single nucleotide variant.
Coding change: c.499C>T on transcript NM_001318852.2 (MANE Select); coding-DNA position 499, C replaced by T.
Protein change: p.Arg167Trp; replaces arginine 167 with tryptophan.
Molecular consequence: missense variant.
Genome position (GRCh38, 1-based): chr16:1,729,197, C>T. VCF-style: chr16-1729197-C-T. GRCh37 (hg19) VCF-style: chr16-1779198-C-T.
Other names: c.499C>T, p.Arg167Trp (NM_001040439.2, NM_015133.5, NM_033392.3); short protein forms R167W.
Identifiers: ClinVar variation 1805221 (VCV001805221.1), dbSNP rs2547989393, ClinGen allele CA394219765.